The following is an entry in ClinVar:

NM_004153.4(ORC1):c.2570C>T (p.Ala857Val)

Gene: ORC1 (origin recognition complex subunit 1; minus strand). Cytogenetic location: 1p32.3.
Variant type: single nucleotide variant.
Coding change: c.2570C>T on transcript NM_004153.4 (MANE Select); coding-DNA position 2570, C replaced by T.
Protein change: p.Ala857Val; replaces alanine 857 with valine.
Molecular consequence: missense variant.
Genome position (GRCh38, 1-based): chr1:52,373,197, G>A on the plus strand (C>T on the coding strand, the complement: ORC1 is on the minus strand). VCF-style: chr1-52373197-G-A. GRCh37 (hg19) VCF-style: chr1-52838869-G-A.
Other names: c.2570C>T, p.Ala857Val (NM_001190818.2); c.2555C>T, p.Ala852Val (NM_001190819.2); short protein forms A852V, A857V.
Identifiers: ClinVar variation 873948 (VCV000873948.9), dbSNP rs184915457, ClinGen allele CA852993.

ClinVar aggregate classification (germline): Uncertain significance. Review status: criteria provided, multiple submitters, no conflicts (2 of 4 stars). 3 submissions from 3 submitters: Uncertain significance (3). Last evaluated 2024-09-26.

Conditions:
Inborn genetic diseases. Identifiers: MedGen C0950123, MeSH D030342.
Meier-Gorlin syndrome 1 (MGORS1). Also called: EAR, PATELLA, SHORT STATURE SYNDROME. Identifiers: Orphanet 2554, MedGen C4552001, MONDO:0009143, OMIM 224690.

Allele frequency attached by ClinVar (database versions not stated): TOPMed 0.00002; ExAC 0.00004; gnomAD 0.00004; gnomAD exomes 0.00005; ESP Exome Variant Server 0.00008.
gnomAD v4.1: 44 of 1,613,922 alleles (0.0027%); highest among the groups gnomAD compares: Admixed American, 0.0083%; no homozygotes.

Submissions (3):

Ambry Genetics
Classification: Uncertain significance for Inborn genetic diseases. Last evaluated: 2024-09-26. Review status: criteria provided, single submitter. Criteria: Ambry Variant Classification Scheme 2023. Collection method: clinical testing. Allele origin: germline.

Labcorp Genetics (formerly Invitae), Labcorp
Classification: Uncertain significance. Last evaluated: 2022-08-19. Review status: criteria provided, single submitter. Criteria: Invitae Variant Classification Sherloc (09022015). Collection method: clinical testing. Allele origin: germline.
Comment: This sequence change replaces alanine, which is neutral and non-polar, with valine, which is neutral and non-polar, at codon 857 of the ORC1 protein (p.Ala857Val). This variant is present in population databases (rs184915457, gnomAD 0.01%). This variant has not been reported in the literature in individuals affected with ORC1-related conditions. ClinVar contains an entry for this variant (Variation ID: 873948). Algorithms developed to predict the effect of missense changes on protein structure and function (SIFT, PolyPhen-2, Align-GVGD) all suggest that this variant is likely to be disruptive. In summary, the available evidence is currently insufficient to determine the role of this variant in disease. Therefore, it has been classified as a Variant of Uncertain Significance.

Illumina Laboratory Services, Illumina
Classification: Uncertain significance for Meier-Gorlin syndrome 1. Last evaluated: 2018-01-13. Review status: criteria provided, single submitter. Criteria: ICSL Variant Classification Criteria 13 December 2019. Collection method: clinical testing. Allele origin: germline.